The following is an entry in ClinVar:

ClinVar aggregate classification (germline): Likely benign. Review status: criteria provided, multiple submitters, no conflicts (2 of 4 stars). 2 submissions from 2 submitters: Likely benign (2). Last evaluated 2025-02-07.

Conditions:
Colorectal cancer, susceptibility to, 12 (CRCS12). Also called: COLORECTAL CANCER, SUSCEPTIBILITY TO, ON CHROMOSOME 12q24. Identifiers: Orphanet 220460, MedGen C3554460, MONDO:0014038, OMIM 615083.

Submissions (2):

Myriad Genetics, Inc.
Classification: Likely benign for Colorectal cancer, susceptibility to, 12. Last evaluated: 2025-02-07. Review status: criteria provided, single submitter. Criteria: Myriad Autosomal Dominant, Autosomal Recessive and X-Linked Classification Criteria (2023). Collection method: clinical testing. Allele origin: unknown.
Comment: This variant is considered likely benign. This variant is intronic and is not expected to impact mRNA splicing.

Labcorp Genetics (formerly Invitae), Labcorp
Classification: Likely benign. Last evaluated: 2023-08-30. Review status: criteria provided, single submitter. Criteria: Invitae Variant Classification Sherloc (09022015). Collection method: clinical testing. Allele origin: germline.

NM_006231.4(POLE):c.910-4C>T

Gene: POLE (DNA polymerase epsilon, catalytic subunit; minus strand). Cytogenetic location: 12q24.33.
Variant type: single nucleotide variant.
Coding change: c.910-4C>T on transcript NM_006231.4 (MANE Select); 4 bases into the intron before coding-DNA position 910, C replaced by T.
Molecular consequence: intron variant.
Genome position (GRCh38, 1-based): chr12:132,676,208, G>A on the plus strand (C>T on the coding strand, the complement: POLE is on the minus strand). VCF-style: chr12-132676208-G-A. GRCh37 (hg19) VCF-style: chr12-133252794-G-A.
Identifiers: ClinVar variation 957445 (VCV000957445.10), dbSNP rs1555229332, ClinGen allele CA1139662983.